The following is an entry in ClinVar:

NM_014018.3(MRPS28):c.297G>C (p.Leu99=)

Genes: MRPS28 (mitochondrial ribosomal protein S28; minus strand), TPD52-MRPS28 (TPD52-MRPS28 readthrough; minus strand). Cytogenetic location: 8q21.13.
Variant type: single nucleotide variant.
Coding change: c.297G>C on transcript NM_014018.3 (MANE Select); coding-DNA position 297, G replaced by C.
Protein change: p.Leu99=; no amino-acid change (leucine 99 retained).
Molecular consequence: synonymous variant.
Genome position (GRCh38, 1-based): chr8:80,003,097, C>G on the plus strand (G>C on the coding strand, the complement: MRPS28 is on the minus strand). VCF-style: chr8-80003097-C-G. GRCh37 (hg19) VCF-style: chr8-80915332-C-G.
Other names: c.519G>C, p.Leu173= (NM_001387778.1).
Identifiers: ClinVar variation 3388684 (VCV003388684.14).

ClinVar aggregate classification (germline): Likely benign (1 of 4 stars; one submission).

gnomAD v4.1: 19 of 1,613,562 alleles (0.0012%); highest among the groups gnomAD compares: Middle Eastern, 0.017%; no homozygotes.

Submission:

CeGaT Center for Human Genetics Tuebingen
Classification: Likely benign. Last evaluated: 2024-10-01. Review status: criteria provided, single submitter. Criteria: CeGaT Center For Human Genetics Tuebingen Variant Classification Criteria Version 2. Collection method: clinical testing. Allele origin: germline. Affected: yes. Observed: 1 variant allele.
Comment: MRPS28: BP4, BP7